The following is an entry in ClinVar:

ClinVar aggregate classification (germline): Likely benign. Review status: reviewed by expert panel (3 of 4 stars). 17 submissions from 16 submitters: Likely benign (1). 16 of the submissions do not count toward it. Last evaluated 2023-08-24.

Conditions:
Familial cancer of breast. Also called: hereditary breast carcinoma; BREAST CANCER, FAMILIAL; Hereditary breast cancer. Identifiers: Orphanet 227535, MedGen C0346153, MONDO:0016419, OMIM 114480. Disease mechanism: loss of function.
Ovarian cancer. Also called: OVARIAN CANCER, SOMATIC. Identifiers: Orphanet 213500, MedGen C1140680, MONDO:0008170, OMIM 167000.
CDH1-related diffuse gastric and lobular breast cancer syndrome. Also called: CDH1-related diffuse gastric and lobular breast cancer. Identifiers: MedGen CN311521, MONDO:0100488.
Hereditary cancer-predisposing syndrome. Also called: Neoplastic Syndromes, Hereditary; Hereditary neoplastic syndrome; Hereditary Cancer Syndrome; Tumor predisposition. Identifiers: Orphanet 140162, MedGen C0027672, MeSH D009386, MONDO:0015356.
Hereditary diffuse gastric adenocarcinoma (HDGC). Also called: DIFFUSE GASTRIC AND LOBULAR BREAST CANCER SYNDROME. Identifiers: Orphanet 26106, MedGen C1708349, MONDO:0007648, OMIM 137215.
Prostate cancer. Also called: Malignant tumor of prostate. Identifiers: Orphanet 1331, MedGen C0376358, MONDO:0008315, HP:0012125.

Allele frequency attached by ClinVar (database versions not stated): gnomAD 0.00051 and 0.00042; ESP Exome Variant Server 0.00054; ExAC 0.00015; 1000 Genomes Project 0.00120; 1000 Genomes Project 30x 0.00125; gnomAD exomes 0.00004 and 0.00011; TOPMed 0.00039.
gnomAD v4.1: 152 of 1,613,954 alleles (0.0094%); highest among the groups gnomAD compares: African/African-American, 0.16%; 3 homozygotes.

Submissions (17):

Clingen Gastric Cancer Variant Curation Expert Panel
Classification: Likely benign for CDH1-related diffuse gastric and lobular breast cancer syndrome. Last evaluated: 2023-08-24. Review status: reviewed by expert panel. Criteria: ClinGen CDH1 ACMG Specifications V3.1. Collection method: curation. Allele origin: germline. Inheritance: Autosomal dominant inheritance.
Comment: The c.1138-3C>T variant has an allele frequency of 0.00121 (0.121%, 29/24,036 alleles) in the African subpopulation of the gnomAD cohort (BS1). There are at least 3 in silico predictors in agreement that this variant does not affect splicing (BP4). In summary, this variant meets criteria to be classified as likely benign. ACMG/AMP criteria applied, as specified by the CDH1 Variant Curation Expert Panel: BS1, BP4 (Variant Interpretation Guidelines Version 3.1).

Labcorp Genetics (formerly Invitae), Labcorp
Classification: Benign for Hereditary diffuse gastric adenocarcinoma. Last evaluated: 2026-02-03. Review status: criteria provided, single submitter. Criteria: Invitae Variant Classification Sherloc (09022015). Collection method: clinical testing. Allele origin: germline. Not counted in ClinVar's aggregate classification.

KCCC/NGS Laboratory, Kuwait Cancer Control Center
Classification: Benign for Hereditary diffuse gastric adenocarcinoma. Last evaluated: 2025-02-01. Review status: criteria provided, single submitter. Criteria: ACMG Guidelines, 2015. Collection method: clinical testing. Allele origin: germline. Affected: no. Not counted in ClinVar's aggregate classification.

Blueprint Genetics
Classification: Likely benign. Last evaluated: 2024-07-18. Review status: criteria provided, single submitter. Criteria: ACMG Guidelines, 2015. Collection method: clinical testing. Allele origin: germline. Not counted in ClinVar's aggregate classification.

Institute for Biomarker Research, Medical Diagnostic Laboratories, L.L.C.
Classification: Benign for Hereditary cancer-predisposing syndrome. Last evaluated: 2024-01-23. Review status: criteria provided, single submitter. Criteria: ACMG Guidelines, 2015. Collection method: clinical testing. Allele origin: germline. Not counted in ClinVar's aggregate classification.

KCCC/NGS Laboratory, Kuwait Cancer Control Center
Classification: Benign for Familial prostate cancer. Last evaluated: 2023-07-07. Review status: criteria provided, single submitter. Criteria: ACMG Guidelines, 2015. Collection method: clinical testing. Allele origin: germline. Affected: yes. Not counted in ClinVar's aggregate classification.

Myriad Genetics, Inc.
Classification: Likely benign for Hereditary diffuse gastric adenocarcinoma. Last evaluated: 2023-03-06. Review status: criteria provided, single submitter. Criteria: Myriad Autosomal Dominant, Autosomal Recessive and X-Linked Classification Criteria (2023). Collection method: clinical testing. Allele origin: unknown. Not counted in ClinVar's aggregate classification.
Comment: This variant is considered likely benign. Homozygosity has been confirmed in one or more individuals. As homozygosity for pathogenic variants in this gene is generally assumed to result in embryonic lethality, this variant is unlikely to be pathogenic.

Quest Diagnostics Nichols Institute San Juan Capistrano
Classification: Benign. Last evaluated: 2023-01-16. Review status: criteria provided, single submitter. Criteria: Quest Diagnostics criteria. Collection method: clinical testing. Allele origin: unknown. Not counted in ClinVar's aggregate classification.

Department of Pathology and Laboratory Medicine, Sinai Health System
Classification: Likely benign for Familial cancer of breast; Ovarian cancer. Last evaluated: 2022-09-30. Review status: criteria provided, single submitter. Criteria: ACMG Guidelines, 2015. Collection method: clinical testing. Allele origin: germline. Affected: yes. Not counted in ClinVar's aggregate classification.

European Reference Network on Genetic Tumour Risk Syndromes (ERN-GENTURIS), i3s - Instituto de Investigação e Inovação em Saúde, University of Porto
Classification: Likely benign for Hereditary diffuse gastric adenocarcinoma. Last evaluated: 2022-08-01. Review status: criteria provided, single submitter. Criteria: Lee et al. (Hum Mutat. 2018). Collection method: clinical testing. Allele origin: germline. Inheritance: Autosomal dominant inheritance. Affected: no. Study: ERN GENTURIS. Not counted in ClinVar's aggregate classification.
Comment: BS1; BP4 (PMID: 30311375)

Sema4
Classification: Likely benign for Hereditary cancer-predisposing syndrome. Last evaluated: 2021-07-30. Review status: criteria provided, single submitter. Criteria: Sema4 Curation Guidelines. Collection method: curation. Allele origin: germline. Not counted in ClinVar's aggregate classification.

GeneDx
Classification: Likely benign. Last evaluated: 2020-08-07. Review status: criteria provided, single submitter. Criteria: GeneDx Variant Classification Process June 2021. Collection method: clinical testing. Allele origin: germline. Affected: yes. Not counted in ClinVar's aggregate classification.
Comment: This variant is associated with the following publications: (PMID: 27978560, 28135145)

Ambry Genetics
Classification: Likely benign for Hereditary cancer-predisposing syndrome. Last evaluated: 2018-11-11. Review status: criteria provided, single submitter. Criteria: Ambry Variant Classification Scheme 2023. Collection method: clinical testing. Allele origin: germline. Not counted in ClinVar's aggregate classification.

Women's Health and Genetics/Laboratory Corporation of America, LabCorp
Classification: Benign. Last evaluated: 2017-10-31. Review status: criteria provided, single submitter. Criteria: LabCorp Variant Classification Summary - May 2015. Collection method: clinical testing. Allele origin: germline. Not counted in ClinVar's aggregate classification.
Comment: Variant summary: The CDH1 c.1138-3C>T variant involves the alteration of a conserved intronic nucleotide. One in silico tool predicts a damaging outcome for this variant. 5/5 splice prediction tools predict no significant impact on normal splicing. However, these predictions have yet to be confirmed by functional studies. This variant was found in 36/277198 control chromosomes from all ethnicities, but was predominantly observed in the African subpopulation at a frequency of 0.001207 (29/24036). This frequency is about 43 times the estimated maximal expected allele frequency of a pathogenic CDH1 variant (0.0000283), suggesting this is likely a benign polymorphism found primarily in the populations of African origin. In addition, multiple clinical diagnostic laboratories/reputable databases classified this variant as benign or likely benign. Taken together, this variant is classified as benign.

Color Diagnostics, LLC DBA Color Health
Classification: Likely benign for Hereditary cancer-predisposing syndrome. Last evaluated: 2015-10-01. Review status: criteria provided, single submitter. Criteria: ACMG Guidelines, 2015. Collection method: clinical testing. Allele origin: germline. Not counted in ClinVar's aggregate classification.

PreventionGenetics, part of Exact Sciences
Classification: Benign. Review status: criteria provided, single submitter. Criteria: ACMG Guidelines, 2015. Collection method: clinical testing. Allele origin: germline. Not counted in ClinVar's aggregate classification.

Counsyl
Classification: Likely benign for Hereditary diffuse gastric adenocarcinoma. Last evaluated: 2016-05-12. Review status: no assertion criteria provided. Collection method: clinical testing. Allele origin: unknown. Not counted in ClinVar's aggregate classification.

Literature cited by the submitters: PubMed 15322508 (cited by Clingen Gastric Cancer Variant Curation Expert Panel); PubMed 27978560 (cited by 3 submitters); PubMed 28135145 (cited by 3 submitters); PubMed 26123647 (cited by Quest Diagnostics Nichols Institute San Juan Capistrano); PubMed 36436516 (cited by European Reference Network on Genetic Tumour Risk Syndromes (ERN-GENTURIS), i3s - Instituto de Investigação e Inovação em Saúde, University of Porto).

NM_004360.5(CDH1):c.1138-3C>T

Gene: CDH1 (cadherin 1; plus strand). Cytogenetic location: 16q22.1.
Variant type: single nucleotide variant.
Coding change: c.1138-3C>T on transcript NM_004360.5 (MANE Select); 3 bases into the intron before coding-DNA position 1138, C replaced by T.
Molecular consequence: intron variant.
Genome position (GRCh38, 1-based): chr16:68,813,310, C>T. VCF-style: chr16-68813310-C-T. GRCh37 (hg19) VCF-style: chr16-68847213-C-T.
Other names: NM_004360.4(CDH1):c.1138-3C>T; c.1138-3C>T (LRG_301t1); c.-478-3C>T (NM_001317185.2); c.-682-3C>T (NM_001317186.2); c.1137+1047C>T (NM_001317184.2).
Identifiers: ClinVar variation 184346 (VCV000184346.35), dbSNP rs36103202, ClinGen allele CA188674.